The following is an entry in ClinVar:

NM_004944.4(DNASE1L3):c.142-2A>G

Gene: DNASE1L3 (deoxyribonuclease 1L3; minus strand). Cytogenetic location: 3p14.3.
Variant type: single nucleotide variant.
Coding change: c.142-2A>G on transcript NM_004944.4 (MANE Select); the canonical splice acceptor site of the intron before coding-DNA position 142, A replaced by G.
Molecular consequence: splice acceptor variant.
Genome position (GRCh38, 1-based): chr3:58,208,308, T>C on the plus strand (A>G on the coding strand, the complement: DNASE1L3 is on the minus strand). VCF-style: chr3-58208308-T-C. GRCh37 (hg19) VCF-style: chr3-58194035-T-C.
Other names: c.142-2A>G (NM_001256560.2).
Identifiers: ClinVar variation 2086752 (VCV002086752.4), dbSNP rs2097405382, ClinGen allele CA353341094.

ClinVar aggregate classification (germline): Likely pathogenic (1 of 4 stars; one submission).

Allele frequency attached by ClinVar (database versions not stated): gnomAD exomes below 0.00001; TOPMed below 0.00001; gnomAD 0.00001.
gnomAD v4.1: 2 of 1,614,074 alleles (0.00012%); highest among the groups gnomAD compares: Admixed American, 0.0033%; no homozygotes.

Submission:

Labcorp Genetics (formerly Invitae), Labcorp
Classification: Likely pathogenic. Last evaluated: 2022-04-04. Review status: criteria provided, single submitter. Criteria: Invitae Variant Classification Sherloc (09022015). Collection method: clinical testing. Allele origin: germline.
Comment: This sequence change affects an acceptor splice site in intron 1 of the DNASE1L3 gene. It is expected to disrupt RNA splicing. Variants that disrupt the donor or acceptor splice site typically lead to a loss of protein function (PMID: 16199547), and loss-of-function variants in DNASE1L3 are known to be pathogenic (PMID: 24206041, 27821515). This variant is not present in population databases (gnomAD no frequency). This variant has not been reported in the literature in individuals affected with DNASE1L3-related conditions. Algorithms developed to predict the effect of sequence changes on RNA splicing suggest that this variant may disrupt the consensus splice site. In summary, the currently available evidence indicates that the variant is pathogenic, but additional data are needed to prove that conclusively. Therefore, this variant has been classified as Likely Pathogenic.

Literature cited by the submitters: PubMed 16199547; PubMed 24206041; PubMed 27821515.